The following is an entry in ClinVar:

ClinVar aggregate classification (germline): Uncertain significance (1 of 4 stars; one submission).

gnomAD v4.1: 1 of 1,603,982 alleles (0.000062%); highest among the groups gnomAD compares: African/African-American, 0.0013%; no homozygotes.

Submission:

Labcorp Genetics (formerly Invitae), Labcorp
Classification: Uncertain significance. Last evaluated: 2024-09-15. Review status: criteria provided, single submitter. Criteria: Invitae Variant Classification Sherloc (09022015). Collection method: clinical testing. Allele origin: germline.
Comment: This sequence change replaces serine, which is neutral and polar, with phenylalanine, which is neutral and non-polar, at codon 762 of the MYO7A protein (p.Ser762Phe). This variant is not present in population databases (gnomAD no frequency). This variant has not been reported in the literature in individuals affected with MYO7A-related conditions. ClinVar contains an entry for this variant (Variation ID: 2161096). An algorithm developed to predict the effect of missense changes on protein structure and function (PolyPhen-2) suggests that this variant is likely to be disruptive. In summary, the available evidence is currently insufficient to determine the role of this variant in disease. Therefore, it has been classified as a Variant of Uncertain Significance.

NM_000260.4(MYO7A):c.2285C>T (p.Ser762Phe)

Gene: MYO7A (myosin VIIA; plus strand). Cytogenetic location: 11q13.5.
Variant type: single nucleotide variant.
Coding change: c.2285C>T on transcript NM_000260.4 (MANE Select); coding-DNA position 2285, C replaced by T.
Protein change: p.Ser762Phe; replaces serine 762 with phenylalanine.
Molecular consequence: missense variant.
Genome position (GRCh38, 1-based): chr11:77,179,047, C>T. VCF-style: chr11-77179047-C-T. GRCh37 (hg19) VCF-style: chr11-76890093-C-T.
Other names: c.2285C>T, p.Ser762Phe (NM_001127180.2); c.2252C>T, p.Ser751Phe (NM_001369365.1); short protein forms S762F, S751F.
Identifiers: ClinVar variation 2161096 (VCV002161096.4), dbSNP rs1453028854, ClinGen allele CA381940787.
Genomic context (GRCh38, chr11:77,179,047, plus strand): 5'-CACCTGTACCCTGGCTGCCTCTGGACACTGCTCACCCGCGCCACTACTGCTGTTTCAGGT[C>T]TAACTTTCTGAAGCTGAAGAACGCTGCCACACTGATCCAGAGGCACTGGCGGGGTCACAA-3'
Protein context (NP_000251.3, residues 752-772): QKVIRGFKDR[Ser762Phe]NFLKLKNAAT